The following is an entry in ClinVar:

NM_017755.6(NSUN2):c.757G>A (p.Val253Met)

Gene: NSUN2 (NOP2/Sun RNA methyltransferase 2; minus strand). Cytogenetic location: 5p15.31.
Variant type: single nucleotide variant.
Coding change: c.757G>A on transcript NM_017755.6 (MANE Select); coding-DNA position 757, G replaced by A.
Protein change: p.Val253Met; replaces valine 253 with methionine.
Molecular consequence: missense variant. On other transcripts: non-coding transcript variant (1).
Genome position (GRCh38, 1-based): chr5:6,620,164, C>T on the plus strand (G>A on the coding strand, the complement: NSUN2 is on the minus strand). VCF-style: chr5-6620164-C-T. GRCh37 (hg19) VCF-style: chr5-6620277-C-T.
Other names: c.652G>A, p.Val218Met (NM_001193455.2); short protein forms V253M, V218M.
Identifiers: ClinVar variation 561730 (VCV000561730.8), dbSNP rs776424531, ClinGen allele CA113737500.
Genomic context (GRCh38, chr5:6,620,164, plus strand): 5'-ACCTGCAAGGGACATCACATAAAATTCGATCATAGAAGAGGATCTCTTTCCTGCCGTCCA[C>T]ATCTATCTGGAGCCTGGGTATGCTGGAGGCATCATGGTTGACCACCATGATGCAGGGGCT-3'
Protein context (NP_060225.4, residues 243-263): ASSIPRLQID[Val253Met]DGRKEILFYD

ClinVar aggregate classification (germline): Conflicting classifications of pathogenicity. Review status: criteria provided, conflicting classifications (1 of 4 stars). 3 submissions from 3 submitters: Uncertain significance (2); Likely benign (1). Last evaluated 2026-01-13.

Conditions:
Inborn genetic diseases. Identifiers: MedGen C0950123, MeSH D030342.

Allele frequency attached by ClinVar (database versions not stated): gnomAD 0.00003 and 0.00004; TOPMed 0.00025.
gnomAD v4.1: 37 of 1,612,400 alleles (0.0023%); highest among the groups gnomAD compares: Admixed American, 0.022%; no homozygotes.

Submissions (3):

Labcorp Genetics (formerly Invitae), Labcorp
Classification: Uncertain significance. Last evaluated: 2026-01-13. Review status: criteria provided, single submitter. Criteria: Invitae Variant Classification Sherloc (09022015). Collection method: clinical testing. Allele origin: germline.
Comment: This sequence change replaces valine, which is neutral and non-polar, with methionine, which is neutral and non-polar, at codon 253 of the NSUN2 protein (p.Val253Met). This variant is present in population databases (rs776424531, gnomAD 0.003%). This variant has not been reported in the literature in individuals affected with NSUN2-related conditions. ClinVar contains an entry for this variant (Variation ID: 561730). Invitae Evidence Modeling of protein sequence and biophysical properties (such as structural, functional, and spatial information, amino acid conservation, physicochemical variation, residue mobility, and thermodynamic stability) indicates that this missense variant is not expected to disrupt NSUN2 protein function with a negative predictive value of 80%. In summary, the available evidence is currently insufficient to determine the role of this variant in disease. Therefore, it has been classified as a Variant of Uncertain Significance.

Ambry Genetics
Classification: Likely benign for Inborn genetic diseases. Last evaluated: 2025-01-29. Review status: criteria provided, single submitter. Criteria: Ambry Variant Classification Scheme 2023. Collection method: clinical testing. Allele origin: germline.

GeneDx
Classification: Uncertain significance. Last evaluated: 2018-02-14. Review status: criteria provided, single submitter. Criteria: GeneDx Variant Classification (06012015). Collection method: clinical testing. Allele origin: germline. Affected: yes.
Comment: The V253M variant in the NSUN2 gene has not been reported previously as a pathogenic variant, nor as a benign variant, to our knowledge. The V253M variant is not observed at a significant frequency in large population cohorts (Lek et al., 2016). The V253M variant is a conservative amino acid substitution, which is not likely to impact secondary protein structure as these residues share similar properties. In-silico analyses, including protein predictors and evolutionary conservation, support that this variant does not alter protein structure/function. We interpret V253M as a variant of uncertain significance.